The following is an entry in ClinVar:

NM_021961.6(TEAD1):c.1232A>G (p.Asn411Ser)

Gene: TEAD1 (TEA domain transcription factor 1; plus strand). Cytogenetic location: 11p15.3.
Variant type: single nucleotide variant.
Coding change: c.1232A>G on transcript NM_021961.6 (MANE Select); coding-DNA position 1232, A replaced by G.
Protein change: p.Asn411Ser; replaces asparagine 411 with serine.
Molecular consequence: missense variant.
Genome position (GRCh38, 1-based): chr11:12,937,173, A>G. VCF-style: chr11-12937173-A-G. GRCh37 (hg19) VCF-style: chr11-12958720-A-G.
Other names: short protein forms N411S.
Identifiers: ClinVar variation 2805700 (VCV002805700.3), dbSNP rs1246316986, ClinGen allele CA379711283.

ClinVar aggregate classification (germline): Uncertain significance (1 of 4 stars; one submission).

Submission:

Labcorp Genetics (formerly Invitae), Labcorp
Classification: Uncertain significance. Last evaluated: 2024-02-23. Review status: criteria provided, single submitter. Criteria: Invitae Variant Classification Sherloc (09022015). Collection method: clinical testing. Allele origin: germline.
Comment: This sequence change replaces asparagine, which is neutral and polar, with serine, which is neutral and polar, at codon 411 of the TEAD1 protein (p.Asn411Ser). This variant is not present in population databases (gnomAD no frequency). This variant has not been reported in the literature in individuals affected with TEAD1-related conditions. Advanced modeling of protein sequence and biophysical properties (such as structural, functional, and spatial information, amino acid conservation, physicochemical variation, residue mobility, and thermodynamic stability) performed at Invitae indicates that this missense variant is not expected to disrupt TEAD1 protein function with a negative predictive value of 80%. In summary, the available evidence is currently insufficient to determine the role of this variant in disease. Therefore, it has been classified as a Variant of Uncertain Significance.